The following is an entry in ClinVar:

ClinVar aggregate classification (germline): Conflicting classifications of pathogenicity. Review status: criteria provided, conflicting classifications (1 of 4 stars). 2 submissions from 2 submitters: Uncertain significance (1); Likely benign (1). Last evaluated 2022-11-01.

Conditions:
Congenital vertical talus. Also called: PES VALGUS, CONGENITAL CONVEX; Rocker-bottom foot deformity. Identifiers: Orphanet 178382, MedGen C0240912, MONDO:0008652, OMIM 192950, HP:0001838.

Allele frequency attached by ClinVar (database versions not stated): gnomAD exomes below 0.00001; gnomAD 0.00001; TOPMed 0.00002; ESP Exome Variant Server 0.00008.
gnomAD v4.1: 6 of 1,613,320 alleles (0.00037%); highest among the groups gnomAD compares: Non-Finnish European, 0.00051%; no homozygotes.

Submissions (2):

CeGaT Center for Human Genetics Tuebingen
Classification: Likely benign. Last evaluated: 2022-11-01. Review status: criteria provided, single submitter. Criteria: CeGaT Center For Human Genetics Tuebingen Variant Classification Criteria Version 2. Collection method: clinical testing. Allele origin: germline. Affected: yes. Observed: 1 variant allele.
Comment: HOXD10: BP4

Illumina Laboratory Services, Illumina
Classification: Uncertain significance for Congenital vertical talus. Last evaluated: 2018-01-13. Review status: criteria provided, single submitter. Criteria: ICSL Variant Classification Criteria 13 December 2019. Collection method: clinical testing. Allele origin: germline.

NM_002148.4(HOXD10):c.561G>A (p.Lys187=)

Gene: HOXD10 (homeobox D10; plus strand). Cytogenetic location: 2q31.1.
Variant type: single nucleotide variant.
Coding change: c.561G>A on transcript NM_002148.4 (MANE Select); coding-DNA position 561, G replaced by A.
Protein change: p.Lys187=; no amino-acid change (lysine 187 retained).
Molecular consequence: synonymous variant.
Genome position (GRCh38, 1-based): chr2:176,117,394, G>A. VCF-style: chr2-176117394-G-A. GRCh37 (hg19) VCF-style: chr2-176982122-G-A.
Identifiers: ClinVar variation 332484 (VCV000332484.29), dbSNP rs143870330, ClinGen allele CA10611440.